The following is an entry in ClinVar:

ClinVar aggregate classification (germline): Pathogenic (1 of 4 stars; one submission).

Submission:

Illumina Laboratory Services, Illumina
Classification: Pathogenic. Last evaluated: 2020-03-26. Review status: criteria provided, single submitter. Criteria: ICSL CNVClassificationCriteria Aug2020. Collection method: clinical testing. Allele origin: unknown.
Comment: This CNV is a 4.8 Mb deletion of Xp22.33-p22.32 on chromosome X, (seq[GRCh37]del(X)(p22.33p22.32); chrX:g.60000_4857212del). The CNV constitutes a loss encompassing 52 genes and includes the entire SHOX and ARSL genes, associated with SHOX deficiency disorders and X-linked recessive chondrodysplasia punctata, respectively. Both conditions are related to skeletal phenotypes. SHOX deficiency disorders represent a spectrum ranging from a milder phenotype of short stature to the more severe conditions Leri-Weill dyschondrosteosis (LWD) and Langer mesomelicdysplasia (LMD). Common features include short stature, mesomelia, and Madelung deformity. An increase in severity with age has been noted and higher proportion of affected females have been reported (Binder and Rappold 2005). There is some evidence for beneficial outcomes with recombinant human growth hormone treatment and the Food and Drug Administration has approved use of recombinant human growth hormone for treating short stature in the pediatric population (Binder 2011). X-linked chondrodysplasia punctata 1 affects bone development and cartilage, and generally occurs in males. Common features include stippled epiphyses, brachytelephalangy, and nasomaxillary hypoplasia and some individuals may also have hearing loss and intellectual disability (Braverman et al. 2008). At least 30 unrelated cases with similar or smaller deletions that fall within the boundaries of the CNV have been described, presenting with SHOX-related LWD or LMD; derivative chromosomes were present in at least two cases (Schiller et al. 2000; Gatta et al. 2007; Benito-Sanz et al. 2017). Variable expressivity has been observed with similar CNVs showing phenotypes across the spectrum of the disorders. In addition, studies suggest that the size of the CNV may not correlate with severity of clinical presentation (Schiller et al. 2000; Benito-Sanz et al. 2017). Partial or full gene deletions were not reported in 110 healthy controls (Rappold et al. 2002; Gatta et al. 2007). Based on the collective evidence, this CNV is classified as pathogenic.

Literature cited by the submitters: PubMed 10713888; PubMed 11889216; PubMed 17091221; PubMed 20301394; PubMed 20301713; PubMed 21325865; PubMed 27604558.

GRCh37/hg19 Xp22.33-22.32(chrX:60000-4857212)x1

Genes: XG (Xg glycoprotein (Xg blood group); plus strand), ARSD (arylsulfatase D; minus strand), ARSD-AS1 (ARSD antisense RNA 1; plus strand), ARSF (arylsulfatase F; plus strand), ARSH (arylsulfatase family member H; plus strand) and 4 more. Cytogenetic location: Xp22.33-22.32.
Variant type: copy number loss.
Change: copy number 1 of chrX:60,000-4,857,212 (4.80 Mb, GRCh37 coordinates, 1-based), cytogenetic band Xp22.33-22.32.
Identifiers: ClinVar variation 988943 (VCV000988943.4).